The following is an entry in ClinVar:

NM_015214.3(DDHD2):c.1687C>T (p.Pro563Ser)

Gene: DDHD2 (DDHD domain containing 2; plus strand). Cytogenetic location: 8p11.23.
Variant type: single nucleotide variant.
Coding change: c.1687C>T on transcript NM_015214.3 (MANE Select); coding-DNA position 1687, C replaced by T.
Protein change: p.Pro563Ser; replaces proline 563 with serine.
Molecular consequence: missense variant. On other transcripts: non-coding transcript variant (2).
Genome position (GRCh38, 1-based): chr8:38,252,791, C>T. VCF-style: chr8-38252791-C-T. GRCh37 (hg19) VCF-style: chr8-38110309-C-T.
Other names: c.1687C>T, p.Pro563Ser (NM_001164232.2, NM_001362911.2, NM_001362912.2 and 1 more transcripts); c.1597C>T, p.Pro533Ser (NM_001362913.2); short protein forms P533S, P563S.
Identifiers: ClinVar variation 1163481 (VCV001163481.6), dbSNP rs563266803, ClinGen allele CA4716337.

ClinVar aggregate classification (germline): Uncertain significance (1 of 4 stars; one submission).

Allele frequency attached by ClinVar (database versions not stated): gnomAD exomes 0.00001; ExAC 0.00001; gnomAD 0.00004.
gnomAD v4.1: 27 of 1,613,944 alleles (0.0017%); highest among the groups gnomAD compares: Non-Finnish European, 0.0022%; no homozygotes.

Submission:

Mayo Clinic Laboratories, Mayo Clinic
Classification: Uncertain significance. Last evaluated: 2025-09-24. Review status: criteria provided, single submitter. Criteria: ACMG Guidelines, 2015. Collection method: clinical testing. Allele origin: germline. Observed: 2 variant alleles.
Comment: PM2_supporting